The following is an entry in ClinVar:

NM_007254.4(PNKP):c.-47C>T

Gene: PNKP (polynucleotide kinase 3'-phosphatase; minus strand). Cytogenetic location: 19q13.33.
Variant type: single nucleotide variant.
Coding change: c.-47C>T on transcript NM_007254.4 (MANE Select); 47 bases upstream of the start codon, C replaced by T.
Molecular consequence: 5 prime UTR variant.
Genome position (GRCh38, 1-based): chr19:49,867,502, G>A on the plus strand (C>T on the coding strand, the complement: PNKP is on the minus strand). VCF-style: chr19-49867502-G-A. GRCh37 (hg19) VCF-style: chr19-50370759-G-A.
Identifiers: ClinVar variation 515114 (VCV000515114.1), dbSNP rs1487640562, ClinGen allele CA658799287.

ClinVar aggregate classification (germline): Likely benign (1 of 4 stars; one submission).

Allele frequency attached by ClinVar (database versions not stated): gnomAD exomes below 0.00001; gnomAD 0.00001; TOPMed 0.00001.
gnomAD v4.1: 4 of 460,596 alleles (0.00087%); highest among the groups gnomAD compares: Non-Finnish European, 0.0012%; no homozygotes.

Submission:

GeneDx
Classification: Likely benign. Last evaluated: 2018-01-29. Review status: criteria provided, single submitter. Criteria: GeneDx Variant Classification (06012015). Collection method: clinical testing. Allele origin: germline. Affected: yes.
Comment: This variant is considered likely benign or benign based on one or more of the following criteria: it is a conservative change, it occurs at a poorly conserved position in the protein, it is predicted to be benign by multiple in silico algorithms, and/or has population frequency not consistent with disease.